The following is an entry in ClinVar:

ClinVar aggregate classification (germline): Uncertain significance (1 of 4 stars; one submission).

Conditions:
Hereditary cancer-predisposing syndrome. Also called: Neoplastic Syndromes, Hereditary; Tumor predisposition; Hereditary Cancer Syndrome; Hereditary neoplastic syndrome. Identifiers: Orphanet 140162, MedGen C0027672, MeSH D009386, MONDO:0015356.

Allele frequency attached by ClinVar (database versions not stated): gnomAD exomes below 0.00001.
gnomAD v4.1: 3 of 1,612,226 alleles (0.00019%); highest among the groups gnomAD compares: Non-Finnish European, 0.00025%; no homozygotes.

Submission:

Ambry Genetics
Classification: Uncertain significance for Hereditary cancer-predisposing syndrome. Last evaluated: 2022-04-21. Review status: criteria provided, single submitter. Criteria: Ambry Variant Classification Scheme 2023. Collection method: clinical testing. Allele origin: germline.
Comment: The p.G282R variant (also known as c.844G>A), located in coding exon 7 of the EPCAM gene, results from a G to A substitution at nucleotide position 844. The glycine at codon 282 is replaced by arginine, an amino acid with dissimilar properties. This amino acid position is conserved. In addition, this alteration is predicted to be deleterious by in silico analysis. Since supporting evidence is limited at this time, the clinical significance of this alteration remains unclear.

NM_002354.3(EPCAM):c.844G>A (p.Gly282Arg)

Gene: EPCAM (epithelial cell adhesion molecule; plus strand). Cytogenetic location: 2p21.
Variant type: single nucleotide variant.
Coding change: c.844G>A on transcript NM_002354.3 (MANE Select); coding-DNA position 844, G replaced by A.
Protein change: p.Gly282Arg; replaces glycine 282 with arginine.
Molecular consequence: missense variant.
Genome position (GRCh38, 1-based): chr2:47,379,955, G>A. VCF-style: chr2-47379955-G-A. GRCh37 (hg19) VCF-style: chr2-47607094-G-A.
Other names: short protein forms G282R.
Identifiers: ClinVar variation 1763433 (VCV001763433.2), dbSNP rs2465473608, ClinGen allele CA346724934.
Genomic context (GRCh38, chr2:47,379,955, plus strand): 5'-CAGGGTCTAAAAGCTGGTGTTATTGCTGTTATTGTGGTTGTGGTGATAGCAGTTGTTGCT[G>A]GAATTGTTGTGCTGGTGAGTACAGAACAAGTAAAATTTCATTTAAGGGTATATTTTTTCA-3'
Protein context (NP_002345.2, residues 272-292): IVVVVIAVVA[Gly282Arg]IVVLVISRKK